The following is an entry in ClinVar:

NM_000038.6(APC):c.7874G>A (p.Ser2625Asn)

Gene: APC (APC regulator of Wnt signaling pathway; plus strand). Cytogenetic location: 5q22.2.
Variant type: single nucleotide variant.
Coding change: c.7874G>A on transcript NM_000038.6 (MANE Select); coding-DNA position 7874, G replaced by A.
Protein change: p.Ser2625Asn; replaces serine 2625 with asparagine.
Molecular consequence: missense variant.
Genome position (GRCh38, 1-based): chr5:112,843,468, G>A. VCF-style: chr5-112843468-G-A. GRCh37 (hg19) VCF-style: chr5-112179165-G-A.
Other names: c.7874G>A, p.Ser2625Asn (NM_001127510.3, NM_001354895.2); c.7820G>A, p.Ser2607Asn (NM_001127511.3); c.7928G>A, p.Ser2643Asn (NM_001354896.2); c.7904G>A, p.Ser2635Asn (NM_001354897.2); c.7799G>A, p.Ser2600Asn (NM_001354898.2); c.7790G>A, p.Ser2597Asn (NM_001354899.2); c.7751G>A, p.Ser2584Asn (NM_001354900.2); c.7697G>A, p.Ser2566Asn (NM_001354901.2); and 5 more; short protein forms S2465N, S2635N, S2499N, S2524N, S2534N, S2584N, S2566N, S2600N.
Identifiers: ClinVar variation 949059 (VCV000949059.12), dbSNP rs1766586856, ClinGen allele CA16038441.

ClinVar aggregate classification (germline): Uncertain significance. Review status: criteria provided, multiple submitters, no conflicts (2 of 4 stars). 2 submissions from 2 submitters: Uncertain significance (2). Last evaluated 2025-01-29.

Conditions:
Familial adenomatous polyposis 1 (FAP1). Also called: FAMILIAL ADENOMATOUS POLYPOSIS 1, ATTENUATED; POLYPOSIS, ADENOMATOUS INTESTINAL. Identifiers: MedGen C2713442, MONDO:0021056, OMIM 175100. Disease mechanism: loss of function.
Hereditary cancer-predisposing syndrome. Also called: Hereditary neoplastic syndrome; Neoplastic Syndromes, Hereditary; Tumor predisposition; Hereditary Cancer Syndrome. Identifiers: Orphanet 140162, MedGen C0027672, MeSH D009386, MONDO:0015356.

Submissions (2):

Labcorp Genetics (formerly Invitae), Labcorp
Classification: Uncertain significance for Familial adenomatous polyposis 1. Last evaluated: 2025-01-29. Review status: criteria provided, single submitter. Criteria: Invitae Variant Classification Sherloc (09022015). Collection method: clinical testing. Allele origin: germline.
Comment: This sequence change replaces serine, which is neutral and polar, with asparagine, which is neutral and polar, at codon 2625 of the APC protein (p.Ser2625Asn). This variant is not present in population databases (gnomAD no frequency). This variant has not been reported in the literature in individuals affected with APC-related conditions. ClinVar contains an entry for this variant (Variation ID: 949059). Invitae Evidence Modeling of protein sequence and biophysical properties (such as structural, functional, and spatial information, amino acid conservation, physicochemical variation, residue mobility, and thermodynamic stability) indicates that this missense variant is not expected to disrupt APC protein function with a negative predictive value of 95%. In summary, the available evidence is currently insufficient to determine the role of this variant in disease. Therefore, it has been classified as a Variant of Uncertain Significance.

Ambry Genetics
Classification: Uncertain significance for Hereditary cancer-predisposing syndrome. Last evaluated: 2024-07-05. Review status: criteria provided, single submitter. Criteria: Ambry Variant Classification Scheme 2023. Collection method: clinical testing. Allele origin: germline.
Comment: The p.S2625N variant (also known as c.7874G>A), located in coding exon 15 of the APC gene, results from a G to A substitution at nucleotide position 7874. The serine at codon 2625 is replaced by asparagine, an amino acid with highly similar properties. This amino acid position is conserved. In addition, in silico predictors for this gene do not accurately predict pathogenicity. Based on the available evidence, the clinical significance of this variant remains unclear.